The following is an entry in ClinVar:

NM_005529.7(HSPG2):c.8618T>G (p.Val2873Gly)

Gene: HSPG2 (heparan sulfate proteoglycan 2; minus strand). Cytogenetic location: 1p36.12.
Variant type: single nucleotide variant.
Coding change: c.8618T>G on transcript NM_005529.7 (MANE Select); coding-DNA position 8618, T replaced by G.
Protein change: p.Val2873Gly; replaces valine 2873 with glycine.
Molecular consequence: missense variant.
Genome position (GRCh38, 1-based): chr1:21,843,437, A>C on the plus strand (T>G on the coding strand, the complement: HSPG2 is on the minus strand). VCF-style: chr1-21843437-A-C. GRCh37 (hg19) VCF-style: chr1-22169930-A-C.
Other names: c.8621T>G, p.Val2874Gly (NM_001291860.2); short protein forms V2873G, V2874G.
Identifiers: ClinVar variation 2582853 (VCV002582853.25), dbSNP rs374773143, ClinGen allele CA670708.
Genomic context (GRCh38, chr1:21,843,437, plus strand): 5'-CACGAGTACTCGCCAGAGTCAGCCGGGGACACCTGGTTCAGCCTCAGCAGTGGGCCGTGG[A>C]CCTGGCCAAGGTGGGGTGAGAGCGGGGAGGGTGAGCTGGGAGCCTTCAGATGCCCAGGCC-3'
Protein context (NP_005520.4, residues 2863-2883): RGGNLPARHQ[Val2873Gly]HGPLLRLNQV

ClinVar aggregate classification (germline): Likely benign (1 of 4 stars; one submission).

Allele frequency attached by ClinVar (database versions not stated): gnomAD 0.00001; TOPMed 0.00001; gnomAD exomes 0.00002; ExAC 0.00004; ESP Exome Variant Server 0.00008.
gnomAD v4.1: 36 of 1,611,236 alleles (0.0022%); highest among the groups gnomAD compares: South Asian, 0.031%; 1 homozygote.

Submission:

CeGaT Center for Human Genetics Tuebingen
Classification: Likely benign. Last evaluated: 2023-09-01. Review status: criteria provided, single submitter. Criteria: CeGaT Center For Human Genetics Tuebingen Variant Classification Criteria Version 2. Collection method: clinical testing. Allele origin: germline. Affected: yes. Observed: 1 variant allele.
Comment: HSPG2: BP4